The following is an entry in ClinVar:

NM_000219.6(KCNE1):c.268A>C (p.Lys90Gln)

Gene: KCNE1 (potassium voltage-gated channel subfamily E regulatory subunit 1; minus strand). Cytogenetic location: 21q22.12.
Variant type: single nucleotide variant.
Coding change: c.268A>C on transcript NM_000219.6 (MANE Select); coding-DNA position 268, A replaced by C.
Protein change: p.Lys90Gln; replaces lysine 90 with glutamine.
Molecular consequence: missense variant.
Genome position (GRCh38, 1-based): chr21:34,449,367, T>G on the plus strand (A>C on the coding strand, the complement: KCNE1 is on the minus strand). VCF-style: chr21-34449367-T-G. GRCh37 (hg19) VCF-style: chr21-35821665-T-G.
Other names: c.268A>C, p.Lys90Gln (NM_001127668.4, NM_001127669.4, NM_001127670.4 and 4 more transcripts); short protein forms K90Q.
Identifiers: ClinVar variation 3374486 (VCV003374486.2).
Genomic context (GRCh38, chr21:34,449,367, plus strand): 5'-CAACGACATAGCACGACCTGTAGCTCTCCAGGACCCGGGCCTGGACATAGGCCTTGTCCT[T>G]CTCTTGCCAGGCATCGGACTCGATGTAGACGTTGAATGGGTCGTTCGAGTGCTCCAGCTT-3'
Protein context (NP_000210.2, residues 80-100): VYIESDAWQE[Lys90Gln]DKAYVQARVL

Conditions:
Long QT syndrome 5 (LQT5). Identifiers: Orphanet 101016, Orphanet 768, MedGen C1867904, MONDO:0013372, OMIM 613695.

Submission:

Roden Lab, Vanderbilt University Medical Center
No classification provided (evidence only). Condition: Long QT syndrome 5. Review status: no classification provided. Collection method: in vitro. Allele origin: not applicable. Functional consequence: Effect on ion channel function.
ClinVar note: "not provided" was previously submitted as the classification for the variant. However, the classification appeared to be based only on an observation of functional data so it was converted to no classification on 2025-07-30.